The following is an entry in ClinVar:

NM_001042492.3(NF1):c.5812+264C>T

Gene: NF1 (neurofibromin 1; plus strand). Cytogenetic location: 17q11.2.
Variant type: single nucleotide variant.
Coding change: c.5812+264C>T on transcript NM_001042492.3 (MANE Select); 264 bases into the intron after coding-DNA position 5812, C replaced by T.
Molecular consequence: intron variant.
Genome position (GRCh38, 1-based): chr17:31,330,762, C>T. VCF-style: chr17-31330762-C-T. GRCh37 (hg19) VCF-style: chr17-29657780-C-T.
Other names: c.5749+264C>T (NM_000267.4).
Identifiers: ClinVar variation 4977217 (VCV004977217.1).
Genomic context (GRCh38, chr17:31,330,762, plus strand): 5'-TTCTGATAATAAAAGCAAAGCGGCAAGAGTTTGGTACTTTACACACCTCTGGACCACTTA[C>T]AAAGTATTTTCTTCACTGTTGCAGTTTAATTAGCTTCAGCATTTCTCTTCATAGCAGAAA-3'

ClinVar aggregate classification (germline): Likely benign (1 of 4 stars; one submission).

Conditions:
NF1-related disorder. Also called: NF1-related condition. Identifiers: MedGen CN379171.

gnomAD v4.1: 35 of 379,692 alleles (0.0092%); highest among the groups gnomAD compares: Middle Eastern, 0.073%; no homozygotes.

Submission:

PreventionGenetics, part of Exact Sciences
Classification: Likely benign for NF1-related condition. Last evaluated: 2026-06-12. Review status: criteria provided, single submitter. Criteria: ACMG Guidelines, 2015. Collection method: clinical testing. Allele origin: germline.
Comment: This variant is classified as likely benign based on ACMG/AMP sequence variant interpretation guidelines (Richards et al. 2015 PMID: 25741868, with internal and published modifications).